The following is an entry in ClinVar:

NM_000532.5(PCCB):c.1100A>G (p.Asp367Gly)

Gene: PCCB (propionyl-CoA carboxylase subunit beta; plus strand). Cytogenetic location: 3q22.3.
Variant type: single nucleotide variant.
Coding change: c.1100A>G on transcript NM_000532.5 (MANE Select); coding-DNA position 1100, A replaced by G.
Protein change: p.Asp367Gly; replaces aspartic acid 367 with glycine.
Molecular consequence: missense variant.
Genome position (GRCh38, 1-based): chr3:136,326,812, A>G. VCF-style: chr3-136326812-A-G. GRCh37 (hg19) VCF-style: chr3-136045654-A-G.
Other names: c.1160A>G, p.Asp387Gly (NM_001178014.2); short protein forms D367G, D387G.
Identifiers: ClinVar variation 3573735 (VCV003573735.1).

ClinVar aggregate classification (germline): Uncertain significance (1 of 4 stars; one submission).

gnomAD v4.1: 3 of 1,596,328 alleles (0.00019%); highest among the groups gnomAD compares: Non-Finnish European, 0.00026%; no homozygotes.

Submission:

GeneDx
Classification: Uncertain significance. Last evaluated: 2024-07-17. Review status: criteria provided, single submitter. Criteria: GeneDx Variant Classification Process June 2021. Collection method: clinical testing. Allele origin: germline. Affected: yes.
Comment: Not observed at significant frequency in large population cohorts (gnomAD); In silico analysis supports that this missense variant has a deleterious effect on protein structure/function; Has not been previously published as pathogenic or benign to our knowledge